The following is an entry in ClinVar:

ClinVar aggregate classification (germline): Uncertain significance (1 of 4 stars; one submission).

Submission:

Labcorp Genetics (formerly Invitae), Labcorp
Classification: Uncertain significance. Last evaluated: 2022-03-23. Review status: criteria provided, single submitter. Criteria: Invitae Variant Classification Sherloc (09022015). Collection method: clinical testing. Allele origin: germline.
Comment: This variant is not present in population databases (gnomAD no frequency). This sequence change replaces cysteine, which is neutral and slightly polar, with tyrosine, which is neutral and polar, at codon 299 of the TRAPPC9 protein (p.Cys299Tyr). In summary, the available evidence is currently insufficient to determine the role of this variant in disease. Therefore, it has been classified as a Variant of Uncertain Significance. Algorithms developed to predict the effect of missense changes on protein structure and function are either unavailable or do not agree on the potential impact of this missense change (SIFT: "Not Available"; PolyPhen-2: "Probably Damaging"; Align-GVGD: "Not Available"). This variant has not been reported in the literature in individuals affected with TRAPPC9-related conditions.

NM_001160372.4(TRAPPC9):c.602G>A (p.Cys201Tyr)

Gene: TRAPPC9 (trafficking protein particle complex subunit 9; minus strand). Cytogenetic location: 8q24.3.
Variant type: single nucleotide variant.
Coding change: c.602G>A on transcript NM_001160372.4 (MANE Select); coding-DNA position 602, G replaced by A.
Protein change: p.Cys201Tyr; replaces cysteine 201 with tyrosine.
Molecular consequence: missense variant. On other transcripts: non-coding transcript variant (1).
Genome position (GRCh38, 1-based): chr8:140,439,180, C>T on the plus strand (G>A on the coding strand, the complement: TRAPPC9 is on the minus strand). VCF-style: chr8-140439180-C-T. GRCh37 (hg19) VCF-style: chr8-141449279-C-T.
Other names: c.602G>A, p.Cys201Tyr (NM_001321646.2, NM_001374683.1, NM_001374684.1 and 1 more transcripts); c.623G>A, p.Cys208Tyr (NM_001374682.1); short protein forms C208Y, C201Y.
Identifiers: ClinVar variation 1960108 (VCV001960108.5), dbSNP rs2540470915, ClinGen allele CA372317787.